The following is an entry in ClinVar:

NM_000474.4(TWIST1):c.433A>G (p.Lys145Glu)

Genes: TWIST1 (twist family bHLH transcription factor 1; minus strand), LOC129998021 (ATAC-STARR-seq lymphoblastoid active region 25682; plus strand). Cytogenetic location: 7p21.1.
Variant type: single nucleotide variant.
Coding change: c.433A>G on transcript NM_000474.4 (MANE Select); coding-DNA position 433, A replaced by G.
Protein change: p.Lys145Glu; replaces lysine 145 with glutamic acid.
Molecular consequence: missense variant. On other transcripts: non-coding transcript variant (1).
Genome position (GRCh38, 1-based): chr7:19,116,889, T>C on the plus strand (A>G on the coding strand, the complement: TWIST1 is on the minus strand). VCF-style: chr7-19116889-T-C. GRCh37 (hg19) VCF-style: chr7-19156512-T-C.
Other names: short protein forms K145E.
Identifiers: ClinVar variation 970861 (VCV000970861.12), dbSNP rs1788580326, ClinGen allele CA367015449.

ClinVar aggregate classification (germline): Pathogenic/Likely pathogenic. Review status: criteria provided, multiple submitters, no conflicts (2 of 4 stars). 2 submissions from 2 submitters: Pathogenic (1); Likely pathogenic (1). Last evaluated 2026-06-12.

Conditions:
Common craniosynostosis syndromes.
Saethre-Chotzen syndrome (SCS). Also called: ACROCEPHALY, SKULL ASYMMETRY, AND MILD SYNDACTYLY; ACS III; CHOTZEN SYNDROME. Identifiers: Orphanet 794, MedGen C0175699, MONDO:0007042, OMIM 101400.
TWIST1-related craniosynostosis (CRS1). Also called: CRANIOSYNOSTOSIS 1. Identifiers: Orphanet 63440, MedGen C4551902, MONDO:0007399, OMIM 123100. Inheritance: Heterogenous inheritance pattern.

Submissions (2):

Genetics Laboratory, Great Ormond Street Hospital NHS Foundation Trust, North Thames Genomic Laboratory Hub
Classification: Likely pathogenic for Common craniosynostosis syndromes. Last evaluated: 2026-06-12. Review status: criteria provided, single submitter. Criteria: ACGS Best Practice Guidelines for Variant Classification in Rare Disease 2024 v1.2. Collection method: clinical testing. Allele origin: germline. Affected: yes.
Comment: PS4_moderate, PM2_moderate, PP3_supporting, PS3_supporting, PP2_supporting

Labcorp Genetics (formerly Invitae), Labcorp
Classification: Pathogenic for TWIST1-related craniosynostosis; Saethre-Chotzen syndrome. Last evaluated: 2024-12-07. Review status: criteria provided, single submitter. Criteria: Invitae Variant Classification Sherloc (09022015). Collection method: clinical testing. Allele origin: germline.
Comment: This sequence change replaces lysine, which is basic and polar, with glutamic acid, which is acidic and polar, at codon 145 of the TWIST1 protein (p.Lys145Glu). This variant is not present in population databases (gnomAD no frequency). This missense change has been observed in individual(s) with Saethre-Chotzen syndrome (PMID: 10094188, 17693524; internal data). ClinVar contains an entry for this variant (Variation ID: 970861). An algorithm developed to predict the effect of missense changes on protein structure and function (PolyPhen-2) suggests that this variant is likely to be disruptive. Experimental studies have shown that this missense change affects TWIST1 function (PMID: 10749989, 11248247). This variant disrupts the p.Lys145 amino acid residue in TWIST1. Other variant(s) that disrupt this residue have been observed in individuals with TWIST1-related conditions (PMID: 17693524, 30651579), which suggests that this may be a clinically significant amino acid residue. For these reasons, this variant has been classified as Pathogenic.

Literature cited by the submitters: PubMed 10094188 (cited by Labcorp Genetics (formerly Invitae), Labcorp); PubMed 17693524 (cited by Labcorp Genetics (formerly Invitae), Labcorp); PubMed 10749989 (cited by Labcorp Genetics (formerly Invitae), Labcorp); PubMed 11248247 (cited by Labcorp Genetics (formerly Invitae), Labcorp); PubMed 30651579 (cited by Labcorp Genetics (formerly Invitae), Labcorp).